The following is an entry in ClinVar:

ClinVar aggregate classification (germline): Uncertain significance. Review status: criteria provided, multiple submitters, no conflicts (2 of 4 stars). 6 submissions from 6 submitters: Uncertain significance (6). Last evaluated 2026-02-01.

Conditions:
Growth delay due to insulin-like growth factor I resistance. Also called: Insulin-Like Growth Factor I Resistance; Somatomedin end-organ insensitivity to; Somatomedin-c resistance to; IGF-1 resistance; IGF-I RESISTANCE. Identifiers: Orphanet 73273, MedGen C1849157, MONDO:0010038, OMIM 270450.

Allele frequency attached by ClinVar (database versions not stated): ExAC 0.00008; gnomAD exomes 0.00008 and 0.00021; TOPMed 0.00012; gnomAD 0.00013 and 0.00014; ESP Exome Variant Server 0.00015.
gnomAD v4.1: 319 of 1,614,138 alleles (0.02%); highest among the groups gnomAD compares: Non-Finnish European, 0.026%; no homozygotes.

Submissions (6):

CeGaT Center for Human Genetics Tuebingen
Classification: Uncertain significance. Last evaluated: 2026-02-01. Review status: criteria provided, single submitter. Criteria: CeGaT Center For Human Genetics Tuebingen Variant Classification Criteria Version 2. Collection method: clinical testing. Allele origin: germline. Affected: yes. Observed: 2 variant alleles.
Comment: IGF1R: PM2, BP4

Women's Health and Genetics/Laboratory Corporation of America, LabCorp
Classification: Uncertain significance. Last evaluated: 2025-05-27. Review status: criteria provided, single submitter. Criteria: LabCorp Variant Classification Summary - May 2015. Collection method: clinical testing. Allele origin: germline.
Comment: Variant summary: IGF1R c.1679A>G (p.Lys560Arg) results in a conservative amino acid change in the encoded protein sequence. Algorithms developed to predict the effect of missense changes on protein structure and function are either unavailable or do not agree on the potential impact of this missense change. The variant allele was found at a frequency of 7.6e-05 in 251464 control chromosomes. This frequency is not significantly higher than estimated for a pathogenic variant in IGF1R causing Growth Delay Due To Insulin-Like Growth Factor I Resistance, allowing no conclusion about variant significance. To our knowledge, no occurrence of c.1679A>G in individuals affected with Growth Delay Due To Insulin-Like Growth Factor I Resistance and no experimental evidence demonstrating its impact on protein function have been reported. ClinVar contains an entry for this variant (Variation ID: 884757). Based on the evidence outlined above, the variant was classified as uncertain significance.

Blueprint Genetics
Classification: Uncertain significance. Last evaluated: 2024-08-07. Review status: criteria provided, single submitter. Criteria: ACMG Guidelines, 2015. Collection method: clinical testing. Allele origin: germline.

Pittsburgh Clinical Genomics Laboratory, University of Pittsburgh Medical Center
Classification: Uncertain significance for Growth delay due to insulin-like growth factor I resistance. Last evaluated: 2023-08-01. Review status: criteria provided, single submitter. Criteria: ACMG Guidelines, 2015. Collection method: clinical testing. Allele origin: germline. Inheritance: Autosomal unknown. Affected: yes.
Comment: This sequence variant is a single nucleotide substitution (A>G) at position 1679 of the coding sequence of the IGF1R gene that results in a lysine to arginine amino acid change at residue 560 of the insulin like growth factor 1 receptor protein. The 560 residue falls in the fibronectin type III domain (Uniprot) which plays a critical role in extracellular protein-protein interactions. This is a previously reported variant (ClinVar 884757) that has not been observed in the literature in individuals with IGF1R-related disorders, to our knowledge. This variant is present in 23 of 282868 alleles (0.0081%) in the gnomAD population dataset. Bioinformatic tools produce conflicting predictions as to whether this variant would be damaging or tolerated, and the Lys560 residue is highly conserved across the vertebrate species examined. Studies examining the functiol consequence of this variant have not been performed, to our knowledge. At this time, there is insufficient evidence to determine if this variant is pathogenic or benign. Therefore, we consider this a variant of uncertain significance. ACMG Criteria:

Labcorp Genetics (formerly Invitae), Labcorp
Classification: Uncertain significance. Last evaluated: 2023-07-12. Review status: criteria provided, single submitter. Criteria: Invitae Variant Classification Sherloc (09022015). Collection method: clinical testing. Allele origin: germline.
Comment: In summary, the available evidence is currently insufficient to determine the role of this variant in disease. Therefore, it has been classified as a Variant of Uncertain Significance. Advanced modeling of protein sequence and biophysical properties (such as structural, functional, and spatial information, amino acid conservation, physicochemical variation, residue mobility, and thermodynamic stability) performed at Invitae indicates that this missense variant is not expected to disrupt IGF1R protein function. ClinVar contains an entry for this variant (Variation ID: 884757). This variant has not been reported in the literature in individuals affected with IGF1R-related conditions. This variant is present in population databases (rs148974751, gnomAD 0.01%). This sequence change replaces lysine, which is basic and polar, with arginine, which is basic and polar, at codon 560 of the IGF1R protein (p.Lys560Arg).

Illumina Laboratory Services, Illumina
Classification: Uncertain significance for Growth delay due to insulin-like growth factor I resistance. Last evaluated: 2018-01-13. Review status: criteria provided, single submitter. Criteria: ICSL Variant Classification Criteria 13 December 2019. Collection method: clinical testing. Allele origin: germline.

NM_000875.5(IGF1R):c.1679A>G (p.Lys560Arg)

Gene: IGF1R (insulin like growth factor 1 receptor; plus strand). Cytogenetic location: 15q26.3.
Variant type: single nucleotide variant.
Coding change: c.1679A>G on transcript NM_000875.5 (MANE Select); coding-DNA position 1679, A replaced by G.
Protein change: p.Lys560Arg; replaces lysine 560 with arginine.
Molecular consequence: missense variant.
Genome position (GRCh38, 1-based): chr15:98,913,133, A>G. VCF-style: chr15-98913133-A-G. GRCh37 (hg19) VCF-style: chr15-99456362-A-G.
Other names: c.1679A>G, p.Lys560Arg (NM_001291858.2); short protein forms K560R.
Identifiers: ClinVar variation 884757 (VCV000884757.14), dbSNP rs148974751, ClinGen allele CA7752169.